The following is an entry in ClinVar:

ClinVar aggregate classification (germline): Likely pathogenic. Review status: criteria provided, multiple submitters, no conflicts (2 of 4 stars). 2 submissions from 2 submitters: Likely pathogenic (2). Last evaluated 2026-06-19.

Conditions:
Mucopolysaccharidosis, MPS-II (MPS2). Also called: Attenuated MPS (subtype; formerly known as mild MPS II); Severe MPS II; I2S deficiency; MPS 2; Hunter Syndrome; IDURONATE 2-SULFATASE DEFICIENCY. Identifiers: Orphanet 580, Orphanet 79388, MedGen C0026705, MONDO:0010674, OMIM 309900.

Submissions (2):

Genetics Laboratory, Great Ormond Street Hospital NHS Foundation Trust, North Thames Genomic Laboratory Hub
Classification: Likely pathogenic for Mucopolysaccharidosis type II. Last evaluated: 2026-06-19. Review status: criteria provided, single submitter. Criteria: ACGS Best Practice Guidelines for Variant Classification in Rare Disease 2024 v1.2. Collection method: clinical testing. Allele origin: germline. Affected: yes.
Comment: PS4_moderate, PM2_moderate, PP3_supporting, PP4_strong

Laboratory of Diagnosis and Therapy of Lysosomal Disorders, University of Padova
Classification: Likely pathogenic for Mucopolysaccharidosis, MPS-II. Last evaluated: 2024-06-07. Review status: criteria provided, single submitter. Criteria: ACMG Guidelines, 2015. Collection method: literature only. Allele origin: germline. Affected: yes. Observed: 5 variant alleles.
Comment: Prevalence of the variant significantly increased in affected individuals compared with controls (PS4_Supporting), Absent from controls (or at low frequency) in gnomAD database (PM2_Moderate), Missense variant in a gene with a low rate of benign missense variation (PP2_Supporting), Multiple lines of computational evidence support a deleterious effect (PP3_Supporting), Patient’s phenotype or family history highly specific for the disease (PP4_Moderate)

Classification method: ACMG Guidelines [PMID:25741868] with modifications

Literature cited by the submitters: PubMed 12655569 (cited by Laboratory of Diagnosis and Therapy of Lysosomal Disorders, University of Padova); PubMed 14728992 (cited by Laboratory of Diagnosis and Therapy of Lysosomal Disorders, University of Padova); PubMed 15500445 (cited by Laboratory of Diagnosis and Therapy of Lysosomal Disorders, University of Padova); PubMed 33676511 (cited by Laboratory of Diagnosis and Therapy of Lysosomal Disorders, University of Padova); PubMed 21291454 (cited by Laboratory of Diagnosis and Therapy of Lysosomal Disorders, University of Padova).

NM_000202.8(IDS):c.776T>C (p.Leu259Pro)

Genes: IDS (iduronate 2-sulfatase; minus strand), LOC106050102 (IDS recombination region; plus strand). Cytogenetic location: Xq28.
Variant type: single nucleotide variant.
Coding change: c.776T>C on transcript NM_000202.8 (MANE Select); coding-DNA position 776, T replaced by C.
Protein change: p.Leu259Pro; replaces leucine 259 with proline.
Molecular consequence: missense variant. On other transcripts: non-coding transcript variant (1).
Genome position (GRCh38, 1-based): chrX:149,496,449, A>G on the plus strand (T>C on the coding strand, the complement: IDS is on the minus strand). VCF-style: chrX-149496449-A-G. GRCh37 (hg19) VCF-style: chrX-148577980-A-G.
Other names: c.506T>C, p.Leu169Pro (NM_001166550.4); c.776T>C, p.Leu259Pro (NM_006123.5); short protein forms L169P, L259P.
Identifiers: ClinVar variation 3255834 (VCV003255834.3).